The following is an entry in ClinVar:

ClinVar aggregate classification (germline): Uncertain significance. Review status: criteria provided, single submitter (1 of 4 stars). 2 submissions from 2 submitters: Uncertain significance (1). 1 of the submissions does not count toward it. Last evaluated 2025-12-23.

Conditions:
POLD1-related polyposis and colorectal cancer syndrome (CRCS10). Also called: Colorectal cancer 10; COLORECTAL CANCER, SUSCEPTIBILITY TO, ON CHROMOSOME 19q; Colorectal cancer, susceptibility to, 10. Identifiers: Orphanet 220460, MedGen C2675481, MONDO:0012953, OMIM 612591.
POLD1-related disorder. Also called: POLD1-related condition; POLD1-related disorders.

Submissions (2):

Labcorp Genetics (formerly Invitae), Labcorp
Classification: Uncertain significance for POLD1-related polyposis and colorectal cancer syndrome. Last evaluated: 2025-12-23. Review status: criteria provided, single submitter. Criteria: Invitae Variant Classification Sherloc (09022015). Collection method: clinical testing. Allele origin: germline.
Comment: This sequence change affects codon 414 of the POLD1 mRNA. It is a 'silent' change, meaning that it does not change the encoded amino acid sequence of the POLD1 protein. This variant also falls at the last nucleotide of exon 10, which is part of the consensus splice site for this exon. This variant is not present in population databases (gnomAD no frequency). This variant has not been reported in the literature in individuals affected with POLD1-related conditions. ClinVar contains an entry for this variant (Variation ID: 858669). Variants that disrupt the consensus splice site are a relatively common cause of aberrant splicing (PMID: 17576681, 9536098). Algorithms developed to predict the effect of sequence changes on RNA splicing suggest that this variant may disrupt the consensus splice site. In summary, the available evidence is currently insufficient to determine the role of this variant in disease. Therefore, it has been classified as a Variant of Uncertain Significance.

PreventionGenetics, part of Exact Sciences
Classification: Uncertain significance for POLD1-related condition. Last evaluated: 2024-03-14. Review status: no assertion criteria provided. Collection method: clinical testing. Allele origin: germline. Not counted in ClinVar's aggregate classification.
Comment: The POLD1 c.1242G>A variant is not predicted to result in an amino acid change (p.=). This variant is predicted to alter splicing based on available splicing prediction programs (Alamut Visual Plus v1.6.1). However, the use of computer prediction programs is not equivalent to functional evidence. To our knowledge, this variant has not been reported in the literature or in a large population database, indicating this variant is rare. This variant is interpreted as a variant of uncertain significance in ClinVar. At this time, the clinical significance of this variant is uncertain due to the absence of conclusive functional and genetic evidence.

Literature cited by the submitters: PubMed 17576681 (cited by Labcorp Genetics (formerly Invitae), Labcorp); PubMed 9536098 (cited by Labcorp Genetics (formerly Invitae), Labcorp).

NM_002691.4(POLD1):c.1242G>A (p.Lys414=)

Gene: POLD1 (DNA polymerase delta 1, catalytic subunit; plus strand). Cytogenetic location: 19q13.33.
Variant type: single nucleotide variant.
Coding change: c.1242G>A on transcript NM_002691.4 (MANE Select); coding-DNA position 1242, G replaced by A.
Protein change: p.Lys414=; no amino-acid change (lysine 414 retained).
Molecular consequence: synonymous variant. On other transcripts: non-coding transcript variant (1).
Genome position (GRCh38, 1-based): chr19:50,403,597, G>A. VCF-style: chr19-50403597-G-A. GRCh37 (hg19) VCF-style: chr19-50906854-G-A.
Other names: c.1242G>A, p.Lys414= (NM_001256849.1, NM_001308632.1).
Identifiers: ClinVar variation 858669 (VCV000858669.8), dbSNP rs2038752156, ClinGen allele CA508183291.